The following is an entry in ClinVar:

ClinVar aggregate classification (germline): Likely benign. Review status: criteria provided, multiple submitters, no conflicts (2 of 4 stars). 5 submissions from 5 submitters: Likely benign (5). Last evaluated 2025-12-23.

Conditions:
BRCA2-related cancer predisposition. Identifiers: MedGen CN377758, MONDO:0700269.
Hereditary breast ovarian cancer syndrome. Also called: Hereditary breast and/or ovarian cancer syndrome; Hereditary breast and ovarian cancer syndrome (HBOC); Hereditary breast and ovarian cancer; Hereditary breast and ovarian cancer syndrome; Breast and ovarian cancer; BRCA1- and BRCA2-Associated Hereditary Breast and Ovarian Cancer. Identifiers: Orphanet 145, MedGen C0677776, MeSH D061325, MONDO:0003582. Disease mechanism: loss of function.

Allele frequency attached by ClinVar (database versions not stated): gnomAD exomes below 0.00001; gnomAD 0.00001; TOPMed 0.00001.
gnomAD v4.1: 2 of 1,613,108 alleles (0.00012%); highest among the groups gnomAD compares: African/African-American, 0.0027%; no homozygotes.

Submissions (5):

Labcorp Genetics (formerly Invitae), Labcorp
Classification: Likely benign for Hereditary breast ovarian cancer syndrome. Last evaluated: 2025-12-23. Review status: criteria provided, single submitter. Criteria: Invitae Variant Classification Sherloc (09022015). Collection method: clinical testing. Allele origin: germline.

All of Us Research Program, National Institutes of Health
Classification: Likely benign for BRCA2-related cancer predisposition. Last evaluated: 2024-05-30. Review status: criteria provided, single submitter. Criteria: ACMG Guidelines, 2015. Collection method: clinical testing. Allele origin: germline. Inheritance: Autosomal dominant inheritance. Observed: 3 variant alleles, 3 heterozygotes.
Comment: This study involves interpretation of variants in research participants for the purpose of population health screening. Participant phenotype was not available at the time of variant classification. Additional details can be found in publication PMID: 35346344, PMCID: PMC8962531

Women's Health and Genetics/Laboratory Corporation of America, LabCorp
Classification: Likely benign. Last evaluated: 2023-11-14. Review status: criteria provided, single submitter. Criteria: LabCorp Variant Classification Summary - May 2015. Collection method: clinical testing. Allele origin: germline.

Blueprint Genetics
Classification: Likely benign. Last evaluated: 2022-07-26. Review status: criteria provided, single submitter. Criteria: ACMG Guidelines, 2015. Collection method: clinical testing. Allele origin: germline.

GeneDx
Classification: Likely benign. Last evaluated: 2016-03-22. Review status: criteria provided, single submitter. Criteria: GeneDx Variant Classification (06012015). Collection method: clinical testing. Allele origin: germline. Affected: yes.
Comment: This variant is considered likely benign or benign based on one or more of the following criteria: it is a conservative change, it occurs at a poorly conserved position in the protein, it is predicted to be benign by multiple in silico algorithms, and/or has population frequency not consistent with disease.

NM_000059.4(BRCA2):c.8755-12A>G

Gene: BRCA2 (BRCA2 DNA repair associated; plus strand). Cytogenetic location: 13q13.1.
Variant type: single nucleotide variant.
Coding change: c.8755-12A>G on transcript NM_000059.4 (MANE Select); 12 bases into the intron before coding-DNA position 8755, A replaced by G.
Molecular consequence: intron variant.
Genome position (GRCh38, 1-based): chr13:32,379,305, A>G. VCF-style: chr13-32379305-A-G. GRCh37 (hg19) VCF-style: chr13-32953442-A-G.
Identifiers: ClinVar variation 215624 (VCV000215624.17), dbSNP rs863224317, ClinGen allele CA337691.
Genomic context (GRCh38, chr13:32,379,305, plus strand): 5'-GCCATCTAGTTACAATAGATGGAACTTTTTTGTTCTGATTGCTTTTTATTCCAATATCTT[A>G]AATGGTCACAGGGTTATTTCAGTGAAGAGCAGTTAAGAGCCTTGAATAATCACAGGCAAA-3'